The following is an entry in ClinVar:

NM_199355.4(ADAMTS18):c.2483C>G (p.Pro828Arg)

Gene: ADAMTS18 (ADAM metallopeptidase with thrombospondin type 1 motif 18; minus strand). Cytogenetic location: 16q23.1.
Variant type: single nucleotide variant.
Coding change: c.2483C>G on transcript NM_199355.4 (MANE Select); coding-DNA position 2483, C replaced by G.
Protein change: p.Pro828Arg; replaces proline 828 with arginine.
Molecular consequence: missense variant.
Genome position (GRCh38, 1-based): chr16:77,319,898, G>C on the plus strand (C>G on the coding strand, the complement: ADAMTS18 is on the minus strand). VCF-style: chr16-77319898-G-C. GRCh37 (hg19) VCF-style: chr16-77353795-G-C.
Other names: c.2483C>G (NM_199355.2); c.1967C>G, p.Pro656Arg (NM_001326358.2); short protein forms P656R, P828R.
Identifiers: ClinVar variation 863807 (VCV000863807.9), dbSNP rs775772338, ClinGen allele CA396827310.
Genomic context (GRCh38, chr16:77,319,898, plus strand): 5'-AAGGGGCTTACTTCAAAGACCAGCGTCTCATTTGTGGGCCCTGGCGCGTACAGACGTTCC[G>C]GGCGGTTGAAAGAGCGCTGGTATTCAAACGTGGTCCCAGCGAAGGGGAACTCCCCAGGCC-3'
Protein context (NP_955387.1, residues 818-838): TFEYQRSFNR[Pro828Arg]ERLYAPGPTN

ClinVar aggregate classification (germline): Uncertain significance. Review status: criteria provided, multiple submitters, no conflicts (2 of 4 stars). 2 submissions from 2 submitters: Uncertain significance (2). Last evaluated 2025-01-21.

Conditions:
Inborn genetic diseases. Identifiers: MedGen C0950123, MeSH D030342.

Submissions (2):

Ambry Genetics
Classification: Uncertain significance for Inborn genetic diseases. Last evaluated: 2025-01-21. Review status: criteria provided, single submitter. Criteria: Ambry Variant Classification Scheme 2023. Collection method: clinical testing. Allele origin: germline.

Labcorp Genetics (formerly Invitae), Labcorp
Classification: Uncertain significance. Last evaluated: 2019-12-14. Review status: criteria provided, single submitter. Criteria: Invitae Variant Classification Sherloc (09022015). Collection method: clinical testing. Allele origin: germline.
Comment: This sequence change replaces proline with arginine at codon 828 of the ADAMTS18 protein (p.Pro828Arg). The proline residue is highly conserved and there is a moderate physicochemical difference between proline and arginine. This variant is not present in population databases (ExAC no frequency). In summary, the available evidence is currently insufficient to determine the role of this variant in disease. Therefore, it has been classified as a Variant of Uncertain Significance. Algorithms developed to predict the effect of missense changes on protein structure and function are either unavailable or do not agree on the potential impact of this missense change (SIFT: "Not Available"; PolyPhen-2: "Probably Damaging"; Align-GVGD: "Class Not Available"). This variant has not been reported in the literature in individuals with ADAMTS18-related conditions.